The following is an entry in ClinVar:

ClinVar aggregate classification (germline): Uncertain significance (1 of 4 stars; one submission).

Submission:

Labcorp Genetics (formerly Invitae), Labcorp
Classification: Uncertain significance. Last evaluated: 2024-05-10. Review status: criteria provided, single submitter. Criteria: Invitae Variant Classification Sherloc (09022015). Collection method: clinical testing. Allele origin: germline.
Comment: This sequence change replaces threonine, which is neutral and polar, with arginine, which is basic and polar, at codon 85 of the IL6ST protein (p.Thr85Arg). This variant is not present in population databases (gnomAD no frequency). This variant has not been reported in the literature in individuals affected with IL6ST-related conditions. An algorithm developed to predict the effect of missense changes on protein structure and function (PolyPhen-2) suggests that this variant is likely to be disruptive. In summary, the available evidence is currently insufficient to determine the role of this variant in disease. Therefore, it has been classified as a Variant of Uncertain Significance.

NM_002184.4(IL6ST):c.254C>G (p.Thr85Arg)

Gene: IL6ST (interleukin 6 cytokine family signal transducer; minus strand). Cytogenetic location: 5q11.2.
Variant type: single nucleotide variant.
Coding change: c.254C>G on transcript NM_002184.4 (MANE Select); coding-DNA position 254, C replaced by G.
Protein change: p.Thr85Arg; replaces threonine 85 with arginine.
Molecular consequence: missense variant. On other transcripts: 5 prime UTR variant (3), non-coding transcript variant (2), intron variant (1).
Genome position (GRCh38, 1-based): chr5:55,969,666, G>C on the plus strand (C>G on the coding strand, the complement: IL6ST is on the minus strand). VCF-style: chr5-55969666-G-C. GRCh37 (hg19) VCF-style: chr5-55265494-G-C.
Other names: c.254C>G, p.Thr85Arg (NM_001190981.2, NM_001364275.2, NM_175767.3); c.-539C>G (NM_001364277.2, NM_001364279.2); c.-529C>G (NM_001364278.2); c.160+94C>G (NM_001364276.2); short protein forms T85R.
Identifiers: ClinVar variation 3701680 (VCV003701680.2).
Genomic context (GRCh38, chr5:55,969,666, plus strand): 5'-ATGTTGCAAGTGAGCTGAATATTTAATGAAGCTATATCTGTAAAGGTGACACTGGATGCT[G>C]TTCTGTTTATGATAGTATATTGCTCCTTAGGAATAGTAAAATGGTTTGTTTTCCAGACAA-3'
Protein context (NP_002175.2, residues 75-95): PKEQYTIINR[Thr85Arg]ASSVTFTDIA